The following is an entry in ClinVar:

ClinVar aggregate classification (germline): Conflicting classifications of pathogenicity. Review status: criteria provided, conflicting classifications (1 of 4 stars). 5 submissions from 5 submitters: Uncertain significance (1); Likely benign (3). 1 of the submissions does not count toward it. Last evaluated 2025-05-19.

Conditions:
Familial cancer of breast. Also called: hereditary breast carcinoma; Hereditary breast cancer; BREAST CANCER, FAMILIAL. Identifiers: Orphanet 227535, MedGen C0346153, MONDO:0016419, OMIM 114480. Disease mechanism: loss of function.
Fanconi anemia complementation group N. Also called: PALB2-Related Fanconi Anemia. Identifiers: Orphanet 84, MedGen C1835817, MONDO:0012565, OMIM 610832. Disease mechanism: loss of function.

Allele frequency attached by ClinVar (database versions not stated): gnomAD exomes 0.00001; ExAC 0.00001.
gnomAD v4.1: 20 of 1,613,700 alleles (0.0012%); highest among the groups gnomAD compares: Non-Finnish European, 0.0017%; no homozygotes.

Submissions (5):

Labcorp Genetics (formerly Invitae), Labcorp
Classification: Likely benign for Familial cancer of breast. Last evaluated: 2025-05-19. Review status: criteria provided, single submitter. Criteria: Invitae Variant Classification Sherloc (09022015). Collection method: clinical testing. Allele origin: germline.

Center for Genomic Medicine, Rigshospitalet, Copenhagen University Hospital
Classification: Likely benign. Last evaluated: 2025-03-04. Review status: criteria provided, single submitter. Criteria: ACMG Guidelines, 2015. Collection method: clinical testing. Allele origin: germline.

Genetics and Molecular Pathology, SA Pathology
Classification: Uncertain significance for Fanconi anemia complementation group N. Last evaluated: 2020-11-05. Review status: criteria provided, single submitter. Criteria: ACMG Guidelines, 2015. Collection method: clinical testing. Allele origin: germline. Affected: yes.

GeneDx
Classification: Likely benign. Last evaluated: 2016-09-07. Review status: criteria provided, single submitter. Criteria: GeneDx Variant Classification (06012015). Collection method: clinical testing. Allele origin: germline. Affected: yes.
Comment: This variant is considered likely benign or benign based on one or more of the following criteria: it is a conservative change, it occurs at a poorly conserved position in the protein, it is predicted to be benign by multiple in silico algorithms, and/or has population frequency not consistent with disease.

Leiden Open Variation Database
Classification: Likely benign for Familial cancer of breast. Last evaluated: 2019-05-13. Review status: no assertion criteria provided. Collection method: curation. Allele origin: germline. Affected: yes. Not counted in ClinVar's aggregate classification.
Comment: Curators: Marc Tischkowitz, Arleen D. Auerbach. Submitter to LOVD: Marc Tischkowitz.

Literature cited by the submitters: PubMed 22241545 (cited by Leiden Open Variation Database).

NM_024675.4(PALB2):c.3350+11A>G

Gene: PALB2 (partner and localizer of BRCA2; minus strand). Cytogenetic location: 16p12.2.
Variant type: single nucleotide variant.
Coding change: c.3350+11A>G on transcript NM_024675.4 (MANE Select); 11 bases into the intron after coding-DNA position 3350, A replaced by G.
Molecular consequence: intron variant.
Genome position (GRCh38, 1-based): chr16:23,607,853, T>C on the plus strand (A>G on the coding strand, the complement: PALB2 is on the minus strand). VCF-style: chr16-23607853-T-C. GRCh37 (hg19) VCF-style: chr16-23619174-T-C.
Identifiers: ClinVar variation 126735 (VCV000126735.19), dbSNP rs515726114, ClinGen allele CA269616.